The following is an entry in ClinVar:

ClinVar aggregate classification (germline): Uncertain significance (1 of 4 stars; one submission).

Conditions:
Adams-Oliver syndrome 5 (AOS5). Identifiers: Orphanet 974, MedGen C4014970, MONDO:0014459, OMIM 616028.

Submission:

Labcorp Genetics (formerly Invitae), Labcorp
Classification: Uncertain significance for Adams-Oliver syndrome 5. Last evaluated: 2021-03-25. Review status: criteria provided, single submitter. Criteria: Invitae Variant Classification Sherloc (09022015). Collection method: clinical testing. Allele origin: germline.
Comment: In summary, the available evidence is currently insufficient to determine the role of this variant in disease. Therefore, it has been classified as a Variant of Uncertain Significance. Experimental studies and prediction algorithms are not available or were not evaluated, and the functional significance of this variant is currently unknown. This variant has not been reported in the literature in individuals with NOTCH1-related conditions. This variant results in a copy number gain of the genomic region encompassing exon(s) 1-2 of the NOTCH1 gene. This region includes the initiator codon of the gene. The 5' end of this event is unknown as it extends beyond the assayed region for this gene and therefore may encompass additional genes. The 3' boundary is likely confined to intron 2 of the NOTCH1 gene. As the precise location of this event is unknown, it may be in tandem or it may be located elsewhere in the genome.

NC_000009.11:g.(?_139438456)_(139440238_?)dup

Gene: NOTCH1 (notch receptor 1; minus strand). Cytogenetic location: 9q34.3.
Variant type: Duplication.
Identifiers: ClinVar variation 1412062 (VCV001412062.4).